The following is an entry in ClinVar:

NM_022114.4(PRDM16):c.3542G>T (p.Gly1181Val)

Gene: PRDM16 (PR/SET domain 16; plus strand). Cytogenetic location: 1p36.32.
Variant type: single nucleotide variant.
Coding change: c.3542G>T on transcript NM_022114.4 (MANE Select); coding-DNA position 3542, G replaced by T.
Protein change: p.Gly1181Val; replaces glycine 1181 with valine.
Molecular consequence: missense variant.
Genome position (GRCh38, 1-based): chr1:3,431,986, G>T. VCF-style: chr1-3431986-G-T. GRCh37 (hg19) VCF-style: chr1-3348550-G-T.
Other names: c.3542G>T, p.Gly1181Val (NM_199454.3); short protein forms G1181V.
Identifiers: ClinVar variation 1379695 (VCV001379695.6), dbSNP rs1638781354, ClinGen allele CA338004408.

ClinVar aggregate classification (germline): Uncertain significance (1 of 4 stars; one submission).

Conditions:
Left ventricular noncompaction 8 (LVNC8). Identifiers: Orphanet 154, Orphanet 54260, MedGen C3809288, MONDO:0014152, OMIM 615373.

Allele frequency attached by ClinVar (database versions not stated): gnomAD exomes below 0.00001; TOPMed below 0.00001.
gnomAD v4.1: 2 of 1,613,656 alleles (0.00012%); highest among the groups gnomAD compares: African/African-American, 0.0013%; no homozygotes.

Submission:

Labcorp Genetics (formerly Invitae), Labcorp
Classification: Uncertain significance for Left ventricular noncompaction 8. Last evaluated: 2022-06-18. Review status: criteria provided, single submitter. Criteria: Invitae Variant Classification Sherloc (09022015). Collection method: clinical testing. Allele origin: germline.
Comment: In summary, the available evidence is currently insufficient to determine the role of this variant in disease. Therefore, it has been classified as a Variant of Uncertain Significance. Algorithms developed to predict the effect of missense changes on protein structure and function are either unavailable or do not agree on the potential impact of this missense change (SIFT: "Deleterious"; PolyPhen-2: "Benign"; Align-GVGD: "Class C15"). This variant has not been reported in the literature in individuals affected with PRDM16-related conditions. This variant is not present in population databases (gnomAD no frequency). This sequence change replaces glycine, which is neutral and non-polar, with valine, which is neutral and non-polar, at codon 1181 of the PRDM16 protein (p.Gly1181Val).